The following is an entry in ClinVar:

ClinVar aggregate classification (germline): Uncertain significance (1 of 4 stars; one submission).

gnomAD v4.1: 1 of 1,612,904 alleles (0.000062%); highest among the groups gnomAD compares: Non-Finnish European, 0.000085%; no homozygotes.

Submission:

Labcorp Genetics (formerly Invitae), Labcorp
Classification: Uncertain significance. Last evaluated: 2022-04-15. Review status: criteria provided, single submitter. Criteria: Invitae Variant Classification Sherloc (09022015). Collection method: clinical testing. Allele origin: germline.
Comment: This sequence change replaces leucine, which is neutral and non-polar, with isoleucine, which is neutral and non-polar, at codon 566 of the COL11A2 protein (p.Leu566Ile). This variant is not present in population databases (gnomAD no frequency). This variant has not been reported in the literature in individuals affected with COL11A2-related conditions. Advanced modeling of protein sequence and biophysical properties (such as structural, functional, and spatial information, amino acid conservation, physicochemical variation, residue mobility, and thermodynamic stability) performed at Invitae indicates that this missense variant is not expected to disrupt COL11A2 protein function. In summary, the available evidence is currently insufficient to determine the role of this variant in disease. Therefore, it has been classified as a Variant of Uncertain Significance.

NM_080680.3(COL11A2):c.1696C>A (p.Leu566Ile)

Gene: COL11A2 (collagen type XI alpha 2 chain; minus strand). Cytogenetic location: 6p21.32.
Variant type: single nucleotide variant.
Coding change: c.1696C>A on transcript NM_080680.3 (MANE Select); coding-DNA position 1696, C replaced by A.
Protein change: p.Leu566Ile; replaces leucine 566 with isoleucine.
Molecular consequence: missense variant.
Genome position (GRCh38, 1-based): chr6:33,178,702, G>T on the plus strand (C>A on the coding strand, the complement: COL11A2 is on the minus strand). VCF-style: chr6-33178702-G-T. GRCh37 (hg19) VCF-style: chr6-33146479-G-T.
Other names: c.1375C>A, p.Leu459Ile (NM_080679.3); c.1438C>A, p.Leu480Ile (NM_080681.3); short protein forms L480I, L566I, L459I.
Identifiers: ClinVar variation 2126399 (VCV002126399.1), dbSNP rs953245426, ClinGen allele CA363658618.